The following is an entry in ClinVar:

NM_001134382.3(IQSEC1):c.3202G>A (p.Ala1068Thr)

Gene: IQSEC1 (IQ motif and Sec7 domain ArfGEF 1; minus strand). Cytogenetic location: 3p25.2.
Variant type: single nucleotide variant.
Coding change: c.3202G>A on transcript NM_001134382.3 (MANE Select); coding-DNA position 3202, G replaced by A.
Protein change: p.Ala1068Thr; replaces alanine 1068 with threonine.
Molecular consequence: missense variant. On other transcripts: 3 prime UTR variant (1), intron variant (1).
Genome position (GRCh38, 1-based): chr3:12,901,126, C>T on the plus strand (G>A on the coding strand, the complement: IQSEC1 is on the minus strand). VCF-style: chr3-12901126-C-T. GRCh37 (hg19) VCF-style: chr3-12942625-C-T.
Other names: c.*383G>A (NM_001330619.3); c.3526G>A, p.Ala1176Thr (NM_001376938.2); c.2847+1647G>A (NM_014869.8); short protein forms A1068T, A1176T.
Identifiers: ClinVar variation 710916 (VCV000710916.9), dbSNP rs559459711, ClinGen allele CA2261738.

ClinVar aggregate classification (germline): Benign/Likely benign. Review status: criteria provided, multiple submitters, no conflicts (2 of 4 stars). 2 submissions from 2 submitters: Benign (1); Likely benign (1). Last evaluated 2026-06-01.

Allele frequency attached by ClinVar (database versions not stated): gnomAD exomes 0.00036 and 0.00074; ExAC 0.00088; gnomAD 0.00346 and 0.00373; TOPMed 0.00415; 1000 Genomes Project 30x 0.00437; 1000 Genomes Project 0.00459.
gnomAD v4.1: 1,053 of 1,541,926 alleles (0.068%); highest among the groups gnomAD compares: African/African-American, 1.2%; 10 homozygotes.

Submissions (2):

CeGaT Center for Human Genetics Tuebingen
Classification: Likely benign. Last evaluated: 2026-06-01. Review status: criteria provided, single submitter. Criteria: CeGaT Center For Human Genetics Tuebingen Variant Classification Criteria Version 2. Collection method: clinical testing. Allele origin: germline. Affected: yes. Observed: 2 variant alleles.
Comment: IQSEC1: BS1

Labcorp Genetics (formerly Invitae), Labcorp
Classification: Benign. Last evaluated: 2019-12-31. Review status: criteria provided, single submitter. Criteria: Invitae Variant Classification Sherloc (09022015). Collection method: clinical testing. Allele origin: germline.